The following is an entry in ClinVar:

ClinVar aggregate classification (germline): Uncertain significance (1 of 4 stars; one submission).

Submission:

CeGaT Center for Human Genetics Tuebingen
Classification: Uncertain significance. Last evaluated: 2024-08-01. Review status: criteria provided, single submitter. Criteria: CeGaT Center For Human Genetics Tuebingen Variant Classification Criteria Version 2. Collection method: clinical testing. Allele origin: germline. Affected: yes. Observed: 1 variant allele.
Comment: TRIP12: PM2, BP4

NM_001348323.3(TRIP12):c.3980A>C (p.Asn1327Thr)

Gene: TRIP12 (thyroid hormone receptor interactor 12; minus strand). Cytogenetic location: 2q36.3.
Variant type: single nucleotide variant.
Coding change: c.3980A>C on transcript NM_001348323.3 (MANE Select); coding-DNA position 3980, A replaced by C.
Protein change: p.Asn1327Thr; replaces asparagine 1327 with threonine.
Molecular consequence: missense variant. On other transcripts: intron variant (7).
Genome position (GRCh38, 1-based): chr2:229,793,134, T>G on the plus strand (A>C on the coding strand, the complement: TRIP12 is on the minus strand). VCF-style: chr2-229793134-T-G. GRCh37 (hg19) VCF-style: chr2-230657850-T-G.
Other names: c.3899A>C, p.Asn1300Thr (NM_001284214.2, NM_001348315.2); c.3854A>C, p.Asn1285Thr (NM_001284215.2, NM_001348316.2); c.2945A>C, p.Asn982Thr (NM_001284216.2); c.3980A>C, p.Asn1327Thr (NM_001348322.1, NM_001348324.2, NM_001348325.2 and 2 more transcripts); c.3983A>C, p.Asn1328Thr (NM_001348328.1, NM_001348329.2, NM_001348330.2); c.3902A>C, p.Asn1301Thr (NM_001348333.1); c.3755A>C, p.Asn1252Thr (NM_004238.3); c.3762-4A>C (NM_001348331.1); and 4 more; short protein forms N1252T, N1285T, N1300T, N1301T, N1327T, N1328T, N982T.
Identifiers: ClinVar variation 3342191 (VCV003342191.16).